The following is an entry in ClinVar:

ClinVar aggregate classification (germline): Benign. Review status: criteria provided, multiple submitters, no conflicts (2 of 4 stars). 2 submissions from 2 submitters: Benign (2). Last evaluated 2018-06-14.

Allele frequency attached by ClinVar (database versions not stated): TOPMed 0.98037; 1000 Genomes Project 30x 0.98189; gnomAD 0.98200; 1000 Genomes Project 0.98223; gnomAD exomes 0.99811.
gnomAD v4.1: 1,193,682 of 1,198,272 alleles (100%); highest among the groups gnomAD compares: Non-Finnish European, 100%; 594,683 homozygotes.

Submissions (2):

GeneDx
Classification: Benign. Last evaluated: 2018-06-14. Review status: criteria provided, single submitter. Criteria: GeneDx Variant Classification (06012015). Collection method: clinical testing. Allele origin: germline. Affected: yes.
Comment: This variant is considered likely benign or benign based on one or more of the following criteria: it is a conservative change, it occurs at a poorly conserved position in the protein, it is predicted to be benign by multiple in silico algorithms, and/or has population frequency not consistent with disease.

Breakthrough Genomics
Classification: Benign. Review status: criteria provided, single submitter. Criteria: ACMG Guidelines, 2015. Collection method: not provided. Allele origin: germline. Inheritance: Autosomal recessive inheritance. Affected: yes.

NM_032578.4(MYPN):c.3660-135T>G

Gene: MYPN (myopalladin; plus strand). Cytogenetic location: 10q21.3.
Variant type: single nucleotide variant.
Coding change: c.3660-135T>G on transcript NM_032578.4 (MANE Select); 135 bases into the intron before coding-DNA position 3660, T replaced by G.
Molecular consequence: intron variant.
Genome position (GRCh38, 1-based): chr10:68,206,635, T>G. VCF-style: chr10-68206635-T-G. GRCh37 (hg19) VCF-style: chr10-69966392-T-G.
Other names: c.3660-135T>G (NM_001256267.2); c.2778-135T>G (NM_001256268.2).
Identifiers: ClinVar variation 672878 (VCV000672878.2), dbSNP rs3814185, ClinGen allele CA208191955.